The following is an entry in ClinVar:

NM_001242896.3(DEPDC5):c.1412G>A (p.Gly471Asp)

Gene: DEPDC5 (DEP domain containing 5, GATOR1 subcomplex subunit; plus strand). Cytogenetic location: 22q12.3.
Variant type: single nucleotide variant.
Coding change: c.1412G>A on transcript NM_001242896.3 (MANE Select); coding-DNA position 1412, G replaced by A.
Protein change: p.Gly471Asp; replaces glycine 471 with aspartic acid.
Molecular consequence: missense variant. On other transcripts: non-coding transcript variant (5).
Genome position (GRCh38, 1-based): chr22:31,810,608, G>A. VCF-style: chr22-31810608-G-A. GRCh37 (hg19) VCF-style: chr22-32206594-G-A.
Other names: c.1412G>A, p.Gly471Asp (NM_001007188.4, NM_001136029.4, NM_001242897.2 and 7 more transcripts); c.1328G>A, p.Gly443Asp (NM_001369901.1, NM_001369902.1); short protein forms G471D, G443D.
Identifiers: ClinVar variation 453077 (VCV000453077.11), dbSNP rs1351408059, ClinGen allele CA411276959.

ClinVar aggregate classification (germline): Uncertain significance. Review status: criteria provided, multiple submitters, no conflicts (2 of 4 stars). 2 submissions from 2 submitters: Uncertain significance (2). Last evaluated 2018-01-02.

Conditions:
Familial focal epilepsy with variable foci (FPEVF). Identifiers: Orphanet 98820, MedGen C1858477, MONDO:0020310.

Allele frequency attached by ClinVar (database versions not stated): gnomAD exomes below 0.00001.
gnomAD v4.1: 1 of 1,614,152 alleles (0.000062%); highest among the groups gnomAD compares: Admixed American, 0.0017%; no homozygotes.

Submissions (2):

Labcorp Genetics (formerly Invitae), Labcorp
Classification: Uncertain significance for Familial focal epilepsy with variable foci. Last evaluated: 2018-01-02. Review status: criteria provided, single submitter. Criteria: Invitae Variant Classification Sherloc (09022015). Collection method: clinical testing. Allele origin: germline.
Comment: In summary, the available evidence is currently insufficient to determine the role of this variant in disease. Therefore, it has been classified as a Variant of Uncertain Significance. Algorithms developed to predict the effect of missense changes on protein structure and function do not agree on the potential impact of this missense change (SIFT: "Deleterious"; PolyPhen-2: "Probably damaging"; Align-GVGD: "Class C0"). This variant has not been reported in the literature in individuals with DEPDC5-related disease. This variant is not present in population databases (ExAC no frequency). This sequence change replaces glycine with aspartic acid at codon 471 of the DEPDC5 protein (p.Gly471Asp). The glycine residue is highly conserved and there is a moderate physicochemical difference between glycine and aspartic acid.

GeneDx
Classification: Uncertain significance. Last evaluated: 2017-11-08. Review status: criteria provided, single submitter. Criteria: GeneDx Variant Classification (06012015). Collection method: clinical testing. Allele origin: germline. Affected: yes.
Comment: The G471D variant has not been published as a pathogenic variant, nor has it been reported as a benign variant to our knowledge. The G471D variant is observed in 1/33,574 (0.003%) alleles from individuals of Latino background (Lek et al., 2016). The G471D variant is a non-conservative amino acid substitution, which is likely to impact secondary protein structure as these residues differ in polarity, charge, size and/or other properties. However, in-silico analyses, including protein predictors and evolutionary conservation, support that this variant does not alter protein structure/function. Therefore, based on the currently available information, it is unclear whether this variant is a pathogenic variant or a rare benign variant.